The following is an entry in ClinVar:

ClinVar aggregate classification (germline): Uncertain significance (1 of 4 stars; one submission).

Submission:

GeneDx
Classification: Uncertain significance. Last evaluated: 2026-01-14. Review status: criteria provided, single submitter. Criteria: GeneDx Variant Classification Process June 2021. Collection method: clinical testing. Allele origin: germline. Affected: yes.
Comment: Not observed at significant frequency in large population cohorts (gnomAD); In silico analysis suggests that this variant does not alter protein structure/function; Has not been previously published as pathogenic or benign to our knowledge

NM_013275.6(ANKRD11):c.7149_7150delinsAA (p.His2383_Pro2384delinsGlnThr)

Gene: ANKRD11 (ankyrin repeat domain 11; minus strand). Cytogenetic location: 16q24.3.
Variant type: Indel.
Coding change: c.7149_7150delinsAA on transcript NM_013275.6 (MANE Select); coding-DNA positions 7149 to 7150, TC replaced by AA.
Protein change: p.His2383_Pro2384delinsGlnThr.
Molecular consequence: missense variant.
Genome position (GRCh38, 1-based): chr16:89,279,392-89,279,393, GA replaced by TT on the plus strand (TC replaced by AA on the coding strand, the reverse complement: ANKRD11 is on the minus strand). VCF-style: chr16-89279392-GA-TT. GRCh37 (hg19) VCF-style: chr16-89345800-GA-TT.
Other names: c.7149_7150delinsAA, p.His2383_Pro2384delinsGlnThr (NM_001256182.2, NM_001256183.2).
Identifiers: ClinVar variation 2504496 (VCV002504496.2), dbSNP rs2544219148, ClinGen allele CA2580613926.
Genomic context (GRCh38, chr16:89,279,392, plus strand): 5'-TGGACGTGTTCAGCTGCTGCTGCAGCTGCTGGGTGGAGCGCTGAAAGCGGCGTTTGCGCG[GA>TT]TGCTGGGCCTGGGCGTCGTCGTCCTCGGAGCCGCGGGCCTTGGCCCTGGTGACCGGGGCA-3'